The following is an entry in ClinVar:

ClinVar aggregate classification (germline): Pathogenic (1 of 4 stars; one submission).

Conditions:
Familial cancer of breast. Also called: Hereditary breast cancer; hereditary breast carcinoma; BREAST CANCER, FAMILIAL. Identifiers: Orphanet 227535, MedGen C0346153, MONDO:0016419, OMIM 114480. Disease mechanism: loss of function.

Submission:

Labcorp Genetics (formerly Invitae), Labcorp
Classification: Pathogenic for Familial cancer of breast. Last evaluated: 2020-08-26. Review status: criteria provided, single submitter. Criteria: Invitae Variant Classification Sherloc (09022015). Collection method: clinical testing. Allele origin: germline.
Comment: For these reasons, this variant has been classified as Pathogenic. This sequence change creates a premature translational stop signal (p.Leu9Glnfs*3) in the PALB2 gene. It is expected to result in an absent or disrupted protein product. This variant is not present in population databases (ExAC no frequency). This variant has not been reported in the literature in individuals with PALB2-related conditions. Loss-of-function variants in PALB2 are known to be pathogenic (PMID: 17200668, 24136930, 25099575).

Literature cited by the submitters: PubMed 17200668; PubMed 24136930; PubMed 25099575.

NM_024675.4(PALB2):c.24_25del (p.Leu9fs)

Gene: PALB2 (partner and localizer of BRCA2; minus strand). Cytogenetic location: 16p12.2.
Variant type: Deletion.
Coding change: c.24_25del on transcript NM_024675.4 (MANE Select); coding-DNA positions 24 to 25, 2 bases deleted (CC; older notation c.24_25delCC).
Protein change: p.Leu9fs; shifts the reading frame from leucine 9.
Molecular consequence: frameshift variant.
Genome position (GRCh38, 1-based): chr16:23,641,133-23,641,134, GG deleted on the plus strand (CC on the coding strand, the reverse complement: PALB2 is on the minus strand); deleting any 2 consecutive bases within chr16:23,641,133-23,641,136 gives the same sequence; the c. name uses the placement nearest the transcript's 3' end. VCF-style (leftmost placement, unchanged base first): chr16-23641132-AGG-A. GRCh37 (hg19) VCF-style: chr16-23652453-AGG-A.
Other names: short protein forms L9fs.
Identifiers: ClinVar variation 1071480 (VCV001071480.8), dbSNP rs2142481327, ClinGen allele CA2499223447.
Genomic context (GRCh38, chr16:23,641,132, plus strand): 5'-TCAGAGTCCTGCGTCCGCCCTTCCCGCACCCCCGGCACCTTTTCCTTCTCCTCACAGCTG[AGG>A]GGCTTCCCGGGAGGCTCGTCCATCGGGCAGGCGACAGAACGAAAAGAGCAGCCGTCGCCG-3'